The following is an entry in ClinVar:

NM_020937.4(FANCM):c.2312A>G (p.Glu771Gly)

Gene: FANCM (FA complementation group M; plus strand). Cytogenetic location: 14q21.2.
Variant type: single nucleotide variant.
Coding change: c.2312A>G on transcript NM_020937.4 (MANE Select); coding-DNA position 2312, A replaced by G.
Protein change: p.Glu771Gly; replaces glutamic acid 771 with glycine.
Molecular consequence: missense variant.
Genome position (GRCh38, 1-based): chr14:45,173,206, A>G. VCF-style: chr14-45173206-A-G. GRCh37 (hg19) VCF-style: chr14-45642409-A-G.
Other names: c.2234A>G, p.Glu745Gly (NM_001308133.2); short protein forms E745G, E771G.
Identifiers: ClinVar variation 4254541 (VCV004254541.1).
Genomic context (GRCh38, chr14:45,173,206, plus strand): 5'-ACTCAGATCGATGCCGCCATTTTATAGGCCTTATGCAAATGATAGAGGGAATGAGACACG[A>G]AGAGGTGGGGTTTTATTGTAACTTTCTCTTGCTGGTATGATAGTAAAACTAGAGTACTTA-3'
Protein context (NP_065988.1, residues 761-781): LMQMIEGMRH[Glu771Gly]EGECSYELEV

ClinVar aggregate classification (germline): Uncertain significance (1 of 4 stars; one submission).

Conditions:
Inborn genetic diseases. Identifiers: MedGen C0950123, MeSH D030342.

Submission:

Ambry Genetics
Classification: Uncertain significance for Inborn genetic diseases. Last evaluated: 2025-06-24. Review status: criteria provided, single submitter. Criteria: Ambry Variant Classification Scheme 2023. Collection method: clinical testing. Allele origin: germline.
Comment: The p.E771G variant (also known as c.2312A>G), located in coding exon 13 of the FANCM gene, results from an A to G substitution at nucleotide position 2312. The glutamic acid at codon 771 is replaced by glycine, an amino acid with similar properties. This amino acid position is conserved. In addition, this alteration is predicted to be tolerated by in silico analysis. Based on the available evidence, the clinical significance of this variant remains unclear.